The following is an entry in ClinVar:

NM_001267550.2(TTN):c.71279G>T (p.Ser23760Ile)

Genes: TTN (titin; minus strand), TTN-AS1 (TTN antisense RNA 1; plus strand). Cytogenetic location: 2q31.2.
Variant type: single nucleotide variant.
Coding change: c.71279G>T on transcript NM_001267550.2 (MANE Select); coding-DNA position 71279, G replaced by T.
Protein change: p.Ser23760Ile; replaces serine 23760 with isoleucine.
Molecular consequence: missense variant.
Genome position (GRCh38, 1-based): chr2:178,574,853, C>A on the plus strand (G>T on the coding strand, the complement: TTN is on the minus strand). VCF-style: chr2-178574853-C-A. GRCh37 (hg19) VCF-style: chr2-179439580-C-A.
Other names: p.S22119I:AGC>ATC; c.66356G>T, p.Ser22119Ile (NM_001256850.1); c.44084G>T, p.Ser14695Ile (NM_003319.4); c.63575G>T, p.Ser21192Ile (NM_133378.4); c.44459G>T, p.Ser14820Ile (NM_133432.3); c.44660G>T, p.Ser14887Ile (NM_133437.4); short protein forms S22119I, S23760I, S14695I, S14887I, S21192I, S14820I.
Identifiers: ClinVar variation 202832 (VCV000202832.2), dbSNP rs765988593, ClinGen allele CA310424.

ClinVar aggregate classification (germline): Uncertain significance (1 of 4 stars; one submission).

Allele frequency attached by ClinVar (database versions not stated): gnomAD exomes below 0.00001; ExAC 0.00001.
gnomAD v4.1: 1 of 1,613,094 alleles (0.000062%); highest among the groups gnomAD compares: Non-Finnish European, 0.000085%; no homozygotes.

Submission:

GeneDx
Classification: Uncertain significance. Last evaluated: 2014-04-16. Review status: criteria provided, single submitter. Criteria: GeneDx Variant Classification (06012015). Collection method: clinical testing. Allele origin: germline. Affected: yes.
Comment: Missense variants in the TTN gene are considered 'unclassified' if they are not previously reported in the literature and do not have >1% frequency in the population to be considered a polymorphism. Research indicates that truncating mutations in the TTN gene are expected to account for approximately 25% of familial and 18% of sporadic idiopathic DCM; however, truncating variants in the TTN gene have been reported in approximately 3% of reported control alleles. There has been little investigation into non-truncating variants. (Herman D et al. Truncations of titin causing dilated cardiomyopathy. N Eng J Med 366:619-628, 2012) The variant is found in DCM-CRDM panel(s).